The following is an entry in ClinVar:

ClinVar aggregate classification (germline): Pathogenic/Likely pathogenic. Review status: criteria provided, multiple submitters, no conflicts (2 of 4 stars). 4 submissions from 4 submitters: Pathogenic (2); Likely pathogenic (2). Last evaluated 2024-08-12.

Conditions:
Cerebrooculofacioskeletal syndrome 2 (COFS2). Identifiers: MedGen C1853102, MONDO:0012553, OMIM 610756.
Trichothiodystrophy 1, photosensitive (TTD1). Also called: TAY SYNDROME; TRICHOTHIODYSTROPHY WITH CONGENITAL ICHTHYOSIS; PIBIDS SYNDROME. Identifiers: Orphanet 33364, MedGen C1866504, MONDO:0011125, OMIM 601675.
Xeroderma pigmentosum, group D (XPD). Also called: XERODERMA PIGMENTOSUM, COMPLEMENTATION GROUP D; XERODERMA PIGMENTOSUM IV; XP, GROUP D; XP, GROUP H; ERCC2-Related Xeroderma Pigmentosum. Identifiers: MedGen C0268138, MONDO:0010212, OMIM 278730.
Xeroderma pigmentosum (XP). Identifiers: Orphanet 910, MedGen C0043346, MONDO:0019600.

Submissions (4):

Women's Health and Genetics/Laboratory Corporation of America, LabCorp
Classification: Pathogenic for Xeroderma pigmentosum. Last evaluated: 2024-08-12. Review status: criteria provided, single submitter. Criteria: LabCorp Variant Classification Summary - May 2015. Collection method: clinical testing. Allele origin: germline.
Comment: Variant summary: ERCC2 c.1852_1871dup20 (p.Tyr625SerfsX91) results in a premature termination codon, predicted to cause a truncation of the encoded protein that is not expected to elicit nonsense mediated decay. Multiple variants downstream from this position have been reported in affected individuals (HGMD) and been classified as pathogenic by our laboratory. The variant was absent in 251134 control chromosomes (gnomAD). To our knowledge, no occurrence of c.1852_1871dup20 in individuals affected with Xeroderma Pigmentosum and no experimental evidence demonstrating its impact on protein function have been reported. ClinVar contains an entry for this variant (Variation ID: 2675051). Based on the evidence outlined above, the variant was classified as pathogenic.

Fulgent Genetics
Classification: Likely pathogenic for Xeroderma pigmentosum, group D; Trichothiodystrophy 1, photosensitive; Cerebrooculofacioskeletal syndrome 2. Last evaluated: 2024-05-07. Review status: criteria provided, single submitter. Criteria: ACMG Guidelines, 2015. Collection method: clinical testing. Allele origin: germline.

Labcorp Genetics (formerly Invitae), Labcorp
Classification: Pathogenic. Last evaluated: 2024-01-15. Review status: criteria provided, single submitter. Criteria: Invitae Variant Classification Sherloc (09022015). Collection method: clinical testing. Allele origin: germline.
Comment: This sequence change creates a premature translational stop signal (p.Tyr625Serfs*91) in the ERCC2 gene. While this is not anticipated to result in nonsense mediated decay, it is expected to disrupt the last 136 amino acid(s) of the ERCC2 protein. This variant is not present in population databases (gnomAD no frequency). This variant has not been reported in the literature in individuals affected with ERCC2-related conditions. This variant disrupts a region of the ERCC2 protein in which other variant(s) (p.Ala725Pro) have been determined to be pathogenic (PMID: 9195225, 23232694, 25002996). This suggests that this is a clinically significant region of the protein, and that variants that disrupt it are likely to be disease-causing. For these reasons, this variant has been classified as Pathogenic.

Baylor Genetics
Classification: Likely pathogenic for Cerebrooculofacioskeletal syndrome 2. Last evaluated: 2023-05-31. Review status: criteria provided, single submitter. Criteria: ACMG Guidelines, 2015. Collection method: clinical testing. Allele origin: unknown.

Literature cited by the submitters: PubMed 9195225 (cited by Labcorp Genetics (formerly Invitae), Labcorp); PubMed 23232694 (cited by Labcorp Genetics (formerly Invitae), Labcorp); PubMed 25002996 (cited by Labcorp Genetics (formerly Invitae), Labcorp).

NM_000400.4(ERCC2):c.1852_1871dup (p.Tyr625fs)

Gene: ERCC2 (ERCC excision repair 2, TFIIH core complex helicase subunit; minus strand). Cytogenetic location: 19q13.32.
Variant type: Duplication.
Coding change: c.1852_1871dup on transcript NM_000400.4 (MANE Select); coding-DNA positions 1852 to 1871, 20 bases duplicated (GTCATCATGTTTGGCGTCCC).
Protein change: p.Tyr625fs; shifts the reading frame from tyrosine 625.
Molecular consequence: frameshift variant.
Genome position (GRCh38, 1-based): chr19:45,352,777-45,352,796, GGGACGCCAAACATGATGAC duplicated on the plus strand (GTCATCATGTTTGGCGTCCC on the coding strand, the reverse complement: ERCC2 is on the minus strand); duplicating any 20 consecutive bases within chr19:45,352,777-45,352,798 gives the same sequence; the c. name uses the placement nearest the transcript's 3' end. VCF-style (leftmost placement, unchanged base first): chr19-45352776-G-GGGGACGCCAAACATGATGAC. GRCh37 (hg19) VCF-style: chr19-45856034-G-GGGGACGCCAAACATGATGAC.
Other names: c.1852_1871dup20 (NM_000400.4); short protein forms Y625fs.
Identifiers: ClinVar variation 2675051 (VCV002675051.6), dbSNP rs1971857332, ClinGen allele CA2338389033.